The following is an entry in ClinVar:

ClinVar aggregate classification (germline): Uncertain significance (1 of 4 stars; one submission).

Submission:

GeneDx
Classification: Uncertain significance. Last evaluated: 2020-06-23. Review status: criteria provided, single submitter. Criteria: GeneDx Variant Classification Process June 2021. Collection method: clinical testing. Allele origin: germline. Affected: yes.
Comment: Not observed in large population cohorts (Lek et al., 2016); Has not been previously published as pathogenic or benign to our knowledge; In-silico analysis, which includes splice predictors and evolutionary conservation, is inconclusive as to whether the variant alters gene splicing. In the absence of RNA/functional studies, the actual effect of this sequence change is unknown.

NM_152296.5(ATP1A3):c.1807-9T>C

Gene: ATP1A3 (ATPase Na+/K+ transporting subunit alpha 3; minus strand). Cytogenetic location: 19q13.2.
Variant type: single nucleotide variant.
Coding change: c.1807-9T>C on transcript NM_152296.5 (MANE Select); 9 bases into the intron before coding-DNA position 1807, T replaced by C.
Molecular consequence: intron variant.
Genome position (GRCh38, 1-based): chr19:41,978,081, A>G on the plus strand (T>C on the coding strand, the complement: ATP1A3 is on the minus strand). VCF-style: chr19-41978081-A-G. GRCh37 (hg19) VCF-style: chr19-42482233-A-G.
Other names: c.1846-9T>C (NM_001256214.2); c.1840-9T>C (NM_001256213.2).
Identifiers: ClinVar variation 1312715 (VCV001312715.2), dbSNP rs2145964616, ClinGen allele CA2573054777.
Genomic context (GRCh38, chr19:41,978,081, plus strand): 5'-CCTTGGCAATGGCCTTGGCCGTGATGGGGTGATCGCCGGTGACCATGATGACCTGCAGGC[A>G]TTGTTTTTTAGGGATGGCCTCTCCCGCCCCACGCCTGGCTTTGCCTCCCCCAGCCACCCC-3'